The following is an entry in ClinVar:

ClinVar aggregate classification (germline): Benign/Likely benign. Review status: criteria provided, multiple submitters, no conflicts (2 of 4 stars). 7 submissions from 7 submitters: Benign (2); Likely benign (5). Last evaluated 2025-06-29.

Conditions:
Hereditary nonpolyposis colorectal neoplasms. Identifiers: MedGen C0009405, MeSH D003123.
Hereditary cancer-predisposing syndrome. Also called: Tumor predisposition; Neoplastic Syndromes, Hereditary; Hereditary neoplastic syndrome; Hereditary Cancer Syndrome. Identifiers: Orphanet 140162, MedGen C0027672, MeSH D009386, MONDO:0015356.
Lynch syndrome 5 (LYNCH5). Also called: Colorectal cancer, hereditary nonpolyposis, type 5; Hereditary non-polyposis colorectal cancer, type 5. Identifiers: Orphanet 144, MedGen C1833477, MONDO:0013710, OMIM 614350. Disease mechanism: loss of function.

Submissions (7):

Labcorp Genetics (formerly Invitae), Labcorp
Classification: Likely benign for Hereditary nonpolyposis colorectal neoplasms. Last evaluated: 2025-06-29. Review status: criteria provided, single submitter. Criteria: Invitae Variant Classification Sherloc (09022015). Collection method: clinical testing. Allele origin: germline.

KCCC/NGS Laboratory, Kuwait Cancer Control Center
Classification: Benign for Lynch syndrome 5. Last evaluated: 2025-02-01. Review status: criteria provided, single submitter. Criteria: ACMG Guidelines, 2015. Collection method: clinical testing. Allele origin: germline. Affected: no.

Myriad Genetics, Inc.
Classification: Benign for Lynch syndrome 5. Last evaluated: 2025-01-07. Review status: criteria provided, single submitter. Criteria: Myriad Autosomal Dominant, Autosomal Recessive and X-Linked Classification Criteria (2023). Collection method: clinical testing. Allele origin: unknown.
Comment: This variant is considered benign. This variant is a silent/synonymous amino acid change and it is not expected to impact splicing.

GeneDx
Classification: Likely benign. Last evaluated: 2018-04-05. Review status: criteria provided, single submitter. Criteria: GeneDx Variant Classification (06012015). Collection method: clinical testing. Allele origin: germline. Affected: yes.
Comment: This variant is considered likely benign or benign based on one or more of the following criteria: it is a conservative change, it occurs at a poorly conserved position in the protein, it is predicted to be benign by multiple in silico algorithms, and/or has population frequency not consistent with disease.

Ambry Genetics
Classification: Likely benign for Hereditary cancer-predisposing syndrome. Last evaluated: 2017-09-19. Review status: criteria provided, single submitter. Criteria: Ambry Variant Classification Scheme 2023. Collection method: clinical testing. Allele origin: germline.

Quest Diagnostics Nichols Institute San Juan Capistrano
Classification: Likely benign. Last evaluated: 2016-12-16. Review status: criteria provided, single submitter. Criteria: Quest Diagnostics criteria. Collection method: clinical testing. Allele origin: germline.

Color Diagnostics, LLC DBA Color Health
Classification: Likely benign for Hereditary cancer-predisposing syndrome. Last evaluated: 2016-10-17. Review status: criteria provided, single submitter. Criteria: ACMG Guidelines, 2015. Collection method: clinical testing. Allele origin: germline.

NM_000179.3(MSH6):c.3510T>C (p.Ile1170=)

Gene: MSH6 (mutS homolog 6; plus strand). Cytogenetic location: 2p16.3.
Variant type: single nucleotide variant.
Coding change: c.3510T>C on transcript NM_000179.3 (MANE Select); coding-DNA position 3510, T replaced by C.
Protein change: p.Ile1170=; no amino-acid change (isoleucine 1170 retained).
Molecular consequence: synonymous variant.
Genome position (GRCh38, 1-based): chr2:47,804,981, T>C. VCF-style: chr2-47804981-T-C. GRCh37 (hg19) VCF-style: chr2-48032120-T-C.
Other names: c.3120T>C, p.Ile1040= (NM_001281492.2); c.2604T>C, p.Ile868= (NM_001281493.2, NM_001281494.2).
Identifiers: ClinVar variation 416172 (VCV000416172.22), dbSNP rs1001812170, ClinGen allele CA16611066.